The following is an entry in ClinVar:

ClinVar aggregate classification (germline): Uncertain significance (1 of 4 stars; one submission).

Submission:

Labcorp Genetics (formerly Invitae), Labcorp
Classification: Uncertain significance. Last evaluated: 2022-03-26. Review status: criteria provided, single submitter. Criteria: Invitae Variant Classification Sherloc (09022015). Collection method: clinical testing. Allele origin: germline.
Comment: In summary, the available evidence is currently insufficient to determine the role of this variant in disease. Therefore, it has been classified as a Variant of Uncertain Significance. This variant has not been reported in the literature in individuals affected with MTOR-related conditions. This variant is not present in population databases (gnomAD no frequency). This sequence change creates a premature translational stop signal (p.Met1194Ilefs*4) in the MTOR gene. It is expected to result in an absent or disrupted protein product. However, the current clinical and genetic evidence is not sufficient to establish whether loss-of-function variants in MTOR cause disease.

NM_004958.4(MTOR):c.3581dup (p.Met1194fs)

Gene: MTOR (mechanistic target of rapamycin kinase; minus strand). Cytogenetic location: 1p36.22.
Variant type: Duplication.
Coding change: c.3581dup on transcript NM_004958.4 (MANE Select); coding-DNA position 3581, one base duplicated (T; older notation c.3581dupT).
Protein change: p.Met1194fs; shifts the reading frame from methionine 1194.
Molecular consequence: frameshift variant.
Genome position (GRCh38, 1-based): chr1:11,210,887, A duplicated on the plus strand (T on the coding strand, the reverse complement: MTOR is on the minus strand). VCF-style (leftmost placement, unchanged base first): chr1-11210886-C-CA. GRCh37 (hg19) VCF-style: chr1-11270943-C-CA.
Other names: c.3581dup, p.Met1194fs (NM_001386500.1); c.2333dup, p.Met778fs (NM_001386501.1); short protein forms M1194fs, M778fs.
Identifiers: ClinVar variation 2117418 (VCV002117418.4), dbSNP rs2523092190, ClinGen allele CA2580061200.
Genomic context (GRCh38, chr1:11,210,886, plus strand): 5'-GCAGATGAGCACATCATAGCGCTGATGATTGATTCGGTGTCGCACCAGAACTTTATTCAC[C>CA]ATTGGAATGAAAATTTGGTACTAAAACAGGAGGGGGAAGAGATGAGAAACTATCATTTTG-3'